The following is an entry in ClinVar:

ClinVar aggregate classification (germline): Conflicting classifications of pathogenicity. Review status: criteria provided, conflicting classifications (1 of 4 stars). 3 submissions from 3 submitters: Uncertain significance (1); Likely benign (2). Last evaluated 2024-09-27.

Conditions:
Inborn genetic diseases. Identifiers: MedGen C0950123, MeSH D030342.

Submissions (3):

Labcorp Genetics (formerly Invitae), Labcorp
Classification: Uncertain significance. Last evaluated: 2024-09-27. Review status: criteria provided, single submitter. Criteria: Invitae Variant Classification Sherloc (09022015). Collection method: clinical testing. Allele origin: germline.
Comment: This variant, c.5043_5048del, results in the deletion of 2 amino acid(s) of the KMT2E protein (p.Pro1683_Pro1684del), but otherwise preserves the integrity of the reading frame. This variant is present in population databases (rs763958040, gnomAD 0.01%). This variant has not been reported in the literature in individuals affected with KMT2E-related conditions. ClinVar contains an entry for this variant (Variation ID: 2360362). Experimental studies and prediction algorithms are not available or were not evaluated, and the functional significance of this variant is currently unknown. In summary, the available evidence is currently insufficient to determine the role of this variant in disease. Therefore, it has been classified as a Variant of Uncertain Significance.

Blueprint Genetics
Classification: Likely benign. Last evaluated: 2024-09-12. Review status: criteria provided, single submitter. Criteria: ACMG Guidelines, 2015. Collection method: clinical testing. Allele origin: germline.

Ambry Genetics
Classification: Likely benign for Inborn genetic diseases. Last evaluated: 2021-11-25. Review status: criteria provided, single submitter. Criteria: Ambry Variant Classification Scheme 2023. Collection method: clinical testing. Allele origin: germline.

NM_182931.3(KMT2E):c.5031ACCCCC[2] (p.Pro1683_Pro1684del)

Gene: KMT2E (lysine methyltransferase 2E (inactive); plus strand). Cytogenetic location: 7q22.3.
Variant type: Microsatellite.
Coding change: c.5031ACCCCC[2] on transcript NM_182931.3 (MANE Select); two copies in a row of the 6-base unit ACCCCC starting at c.5031; the reference has three copies in a row; one copy, 6 bases deleted.
Protein change: p.Pro1683_Pro1684del.
Molecular consequence: inframe deletion. On other transcripts: inframe indel (1).
Genome position (GRCh38, 1-based): chr7:105,112,799-105,112,804, ACCCCC deleted; deleting any 6 consecutive bases within chr7:105,112,787-105,112,804 gives the same sequence; the position shown is the placement nearest the transcript's 3' end. VCF-style (leftmost placement, unchanged base first): chr7-105112786-TACCCCC-T. GRCh37 (hg19) VCF-style: chr7-104753233-TACCCCC-T.
Other names: c.4905_4910ACCCCC[2], p.Pro1641_Pro1642del (NM_001410908.1); c.5031ACCCCC[2], p.Pro1683_Pro1684del (NM_018682.4).
Identifiers: ClinVar variation 2360362 (VCV002360362.4), dbSNP rs751442182, ClinGen allele CA4424887.
Genomic context (GRCh38, chr7:105,112,786, plus strand): 5'-GGCCTGTTCATGCGGTCACCCCTGGGTCGCATATTCATTCTCAAACTGCTGGACACCACT[TACCCCC>T]ACCCCCACCCCCTCCTGGTCCTGCCCCTCATCACCATCCACCACCCCATCCATCCACAGG-3'